The following is an entry in ClinVar:

ClinVar aggregate classification (germline): Uncertain significance (1 of 4 stars; one submission).

Conditions:
Mucopolysaccharidosis, MPS-II (MPS2). Also called: IDS deficiency; Sulfoiduronate sulfatase deficiency; SIDS deficiency; Mucopolysaccharidosis with skin involvement; Attenuated MPS (subtype; formerly known as mild MPS II); Severe MPS II. Identifiers: Orphanet 580, Orphanet 79388, MedGen C0026705, MONDO:0010674, OMIM 309900.

gnomAD v4.1: 1 of 1,124,957 alleles (0.000089%); highest among the groups gnomAD compares: Non-Finnish European, 0.00012%; no homozygotes.

Submission:

Labcorp Genetics (formerly Invitae), Labcorp
Classification: Uncertain significance for Mucopolysaccharidosis, MPS-II. Last evaluated: 2023-04-06. Review status: criteria provided, single submitter. Criteria: Invitae Variant Classification Sherloc (09022015). Collection method: clinical testing. Allele origin: germline.
Comment: This sequence change replaces isoleucine, which is neutral and non-polar, with valine, which is neutral and non-polar, at codon 141 of the IDS protein (p.Ile141Val). This variant is not present in population databases (gnomAD no frequency). This variant has not been reported in the literature in individuals affected with IDS-related conditions. ClinVar contains an entry for this variant (Variation ID: 2012797). Algorithms developed to predict the effect of missense changes on protein structure and function output the following: SIFT: "Not Available"; PolyPhen-2: "Benign"; Align-GVGD: "Not Available". The valine amino acid residue is found in multiple mammalian species, which suggests that this missense change does not adversely affect protein function. In summary, the available evidence is currently insufficient to determine the role of this variant in disease. Therefore, it has been classified as a Variant of Uncertain Significance.

NM_000202.8(IDS):c.421A>G (p.Ile141Val)

Genes: IDS (iduronate 2-sulfatase; minus strand), LOC106050102 (IDS recombination region; plus strand). Cytogenetic location: Xq28.
Variant type: single nucleotide variant.
Coding change: c.421A>G on transcript NM_000202.8 (MANE Select); coding-DNA position 421, A replaced by G.
Protein change: p.Ile141Val; replaces isoleucine 141 with valine.
Molecular consequence: missense variant. On other transcripts: non-coding transcript variant (1).
Genome position (GRCh38, 1-based): chrX:149,501,035, T>C on the plus strand (A>G on the coding strand, the complement: IDS is on the minus strand). VCF-style: chrX-149501035-T-C. GRCh37 (hg19) VCF-style: chrX-148582566-T-C.
Other names: c.151A>G, p.Ile51Val (NM_001166550.4); c.421A>G, p.Ile141Val (NM_006123.5); short protein forms I51V, I141V.
Identifiers: ClinVar variation 2012797 (VCV002012797.4), dbSNP rs781999172, ClinGen allele CA414523321.